The following is an entry in ClinVar:

NM_001006658.3(CR2):c.3061A>G (p.Asn1021Asp)

Gene: CR2 (complement C3d receptor 2; plus strand). Cytogenetic location: 1q32.2.
Variant type: single nucleotide variant.
Coding change: c.3061A>G on transcript NM_001006658.3 (MANE Select); coding-DNA position 3061, A replaced by G.
Protein change: p.Asn1021Asp; replaces asparagine 1021 with aspartic acid.
Molecular consequence: missense variant.
Genome position (GRCh38, 1-based): chr1:207,478,043, A>G. VCF-style: chr1-207478043-A-G. GRCh37 (hg19) VCF-style: chr1-207651388-A-G.
Other names: c.2884A>G, p.Asn962Asp (NM_001877.5); short protein forms N1021D, N962D.
Identifiers: ClinVar variation 1004867 (VCV001004867.5), dbSNP rs746404104, ClinGen allele CA1369112.

ClinVar aggregate classification (germline): Uncertain significance (1 of 4 stars; one submission).

Conditions:
Immunodeficiency, common variable, 7. Identifiers: Orphanet 1572, Orphanet 696894, MedGen C3542922, MONDO:0013862, OMIM 614699.

Allele frequency attached by ClinVar (database versions not stated): ExAC 0.00001; gnomAD exomes below 0.00001 and 0.00001; gnomAD 0.00001; TOPMed 0.00002.
gnomAD v4.1: 8 of 1,613,834 alleles (0.0005%); highest among the groups gnomAD compares: Non-Finnish European, 0.00059%; no homozygotes.

Submission:

Labcorp Genetics (formerly Invitae), Labcorp
Classification: Uncertain significance for Immunodeficiency, common variable, 7. Last evaluated: 2022-07-28. Review status: criteria provided, single submitter. Criteria: Invitae Variant Classification Sherloc (09022015). Collection method: clinical testing. Allele origin: germline.
Comment: This sequence change replaces asparagine, which is neutral and polar, with aspartic acid, which is acidic and polar, at codon 1021 of the CR2 protein (p.Asn1021Asp). This variant is present in population databases (rs746404104, gnomAD 0.0009%). This variant has not been reported in the literature in individuals affected with CR2-related conditions. ClinVar contains an entry for this variant (Variation ID: 1004867). Algorithms developed to predict the effect of missense changes on protein structure and function output the following: SIFT: "Tolerated"; PolyPhen-2: "Benign"; Align-GVGD: "Class C0". The aspartic acid amino acid residue is found in multiple mammalian species, which suggests that this missense change does not adversely affect protein function. In summary, the available evidence is currently insufficient to determine the role of this variant in disease. Therefore, it has been classified as a Variant of Uncertain Significance.